The following is an entry in ClinVar:

NM_001374259.2(IL12RB2):c.94G>C (p.Asp32His)

Gene: IL12RB2 (interleukin 12 receptor subunit beta 2; plus strand). Cytogenetic location: 1p31.3.
Variant type: single nucleotide variant.
Coding change: c.94G>C on transcript NM_001374259.2 (MANE Select); coding-DNA position 94, G replaced by C.
Protein change: p.Asp32His; replaces aspartic acid 32 with histidine.
Molecular consequence: missense variant. On other transcripts: non-coding transcript variant (2).
Genome position (GRCh38, 1-based): chr1:67,321,619, G>C. VCF-style: chr1-67321619-G-C. GRCh37 (hg19) VCF-style: chr1-67787302-G-C.
Other names: c.94G>C, p.Asp32His (NM_001258214.1, NM_001258215.1, NM_001258216.1 and 2 more transcripts); short protein forms D32H.
Identifiers: ClinVar variation 2051442 (VCV002051442.4), dbSNP rs775778071, ClinGen allele CA340730373.

ClinVar aggregate classification (germline): Uncertain significance (1 of 4 stars; one submission).

Submission:

Labcorp Genetics (formerly Invitae), Labcorp
Classification: Uncertain significance. Last evaluated: 2021-12-21. Review status: criteria provided, single submitter. Criteria: Invitae Variant Classification Sherloc (09022015). Collection method: clinical testing. Allele origin: germline.
Comment: In summary, the available evidence is currently insufficient to determine the role of this variant in disease. Therefore, it has been classified as a Variant of Uncertain Significance. Algorithms developed to predict the effect of missense changes on protein structure and function (SIFT, PolyPhen-2, Align-GVGD) all suggest that this variant is likely to be tolerated. This variant has not been reported in the literature in individuals affected with IL12RB2-related conditions. This variant is not present in population databases (gnomAD no frequency). This sequence change replaces aspartic acid, which is acidic and polar, with histidine, which is basic and polar, at codon 32 of the IL12RB2 protein (p.Asp32His).